The following is an entry in ClinVar:

NM_000081.4(LYST):c.3401C>T (p.Ser1134Phe)

Gene: LYST (lysosomal trafficking regulator; minus strand). Cytogenetic location: 1q42.3.
Variant type: single nucleotide variant.
Coding change: c.3401C>T on transcript NM_000081.4 (MANE Select); coding-DNA position 3401, C replaced by T.
Protein change: p.Ser1134Phe; replaces serine 1134 with phenylalanine.
Molecular consequence: missense variant.
Genome position (GRCh38, 1-based): chr1:235,804,658, G>A on the plus strand (C>T on the coding strand, the complement: LYST is on the minus strand). VCF-style: chr1-235804658-G-A. GRCh37 (hg19) VCF-style: chr1-235967958-G-A.
Other names: c.3401C>T, p.Ser1134Phe (NM_001301365.1); short protein forms S1134F.
Identifiers: ClinVar variation 2134676 (VCV002134676.4), dbSNP rs2527056122, ClinGen allele CA344949414.
Genomic context (GRCh38, chr1:235,804,658, plus strand): 5'-GTTTCAATCACCTTTGACTGGGAAAGATGGTCCCTCATTTCAAATAATATACTTTCCACA[G>A]ACAAGTTCTAAGGTAAAATAAAAGAGACTAAGAATATTAATAACCATTTTAAAAAACTAA-3'
Protein context (NP_000072.2, residues 1124-1144): MELELPNQNL[Ser1134Phe]VESILFEMRD

ClinVar aggregate classification (germline): Uncertain significance (1 of 4 stars; one submission).

Conditions:
Chédiak-Higashi syndrome (CHS). Also called: Chediak-Higashi Syndrome. Identifiers: Orphanet 167, MedGen C0007965, MONDO:0008963, OMIM 214500.

Allele frequency attached by ClinVar (database versions not stated): gnomAD exomes below 0.00001.
gnomAD v4.1: 1 of 1,596,088 alleles (0.000063%); highest among the groups gnomAD compares: Non-Finnish European, 0.000086%; no homozygotes.

Submission:

Labcorp Genetics (formerly Invitae), Labcorp
Classification: Uncertain significance for Chédiak-Higashi syndrome. Last evaluated: 2022-05-27. Review status: criteria provided, single submitter. Criteria: Invitae Variant Classification Sherloc (09022015). Collection method: clinical testing. Allele origin: germline.
Comment: In summary, the available evidence is currently insufficient to determine the role of this variant in disease. Therefore, it has been classified as a Variant of Uncertain Significance. Algorithms developed to predict the effect of missense changes on protein structure and function are either unavailable or do not agree on the potential impact of this missense change (SIFT: "Tolerated"; PolyPhen-2: "Possibly Damaging"; Align-GVGD: "Class C0"). This variant has not been reported in the literature in individuals affected with LYST-related conditions. This variant is not present in population databases (gnomAD no frequency). This sequence change replaces serine, which is neutral and polar, with phenylalanine, which is neutral and non-polar, at codon 1134 of the LYST protein (p.Ser1134Phe).